The following is an entry in ClinVar:

NM_005476.7(GNE):c.934G>A (p.Gly312Arg)

Gene: GNE (glucosamine (UDP-N-acetyl)-2-epimerase/N-acetylmannosamine kinase; minus strand). Cytogenetic location: 9p13.3.
Variant type: single nucleotide variant.
Coding change: c.934G>A on transcript NM_005476.7 (MANE Select); coding-DNA position 934, G replaced by A.
Protein change: p.Gly312Arg; replaces glycine 312 with arginine.
Molecular consequence: missense variant.
Genome position (GRCh38, 1-based): chr9:36,233,968, C>T on the plus strand (G>A on the coding strand, the complement: GNE is on the minus strand). VCF-style: chr9-36233968-C-T. GRCh37 (hg19) VCF-style: chr9-36233965-C-T.
Other names: c.1027G>A, p.Gly343Arg (NM_001128227.3); c.934G>A, p.Gly312Arg (NM_001190383.3); c.604G>A, p.Gly202Arg (NM_001190384.3); c.757G>A, p.Gly253Arg (NM_001190388.2, NM_001374798.1); c.781G>A, p.Gly261Arg (NM_001374797.1); short protein forms G202R, G312R, G343R, G261R, G253R.
Identifiers: ClinVar variation 2925449 (VCV002925449.3), dbSNP rs2489715813, ClinGen allele CA373430548.

ClinVar aggregate classification (germline): Uncertain significance (1 of 4 stars; one submission).

Conditions:
GNE myopathy (NM). Also called: NONAKA DISTAL MYOPATHY; MYOPATHY, DISTAL, WITH OR WITHOUT RIMMED VACUOLES; INCLUSION BODY MYOPATHY, HEREDITARY, AUTOSOMAL RECESSIVE; INCLUSION BODY MYOPATHY 2, AUTOSOMAL RECESSIVE; IBM 2; Inclusion body myopathy autosomal recessive. Identifiers: Orphanet 602, MedGen C1853926, MONDO:0011603, OMIM 605820.
Sialuria. Also called: SIALURIA, FRENCH TYPE; Sialic Acid Storage Disease. Identifiers: Orphanet 3166, MedGen C0342853, MONDO:0010028, OMIM 269921.

Submission:

Labcorp Genetics (formerly Invitae), Labcorp
Classification: Uncertain significance for Sialuria; GNE myopathy. Last evaluated: 2023-05-29. Review status: criteria provided, single submitter. Criteria: Invitae Variant Classification Sherloc (09022015). Collection method: clinical testing. Allele origin: germline.
Comment: This sequence change replaces glycine, which is neutral and non-polar, with arginine, which is basic and polar, at codon 343 of the GNE protein (p.Gly343Arg). In summary, the available evidence is currently insufficient to determine the role of this variant in disease. Therefore, it has been classified as a Variant of Uncertain Significance. Advanced modeling of protein sequence and biophysical properties (such as structural, functional, and spatial information, amino acid conservation, physicochemical variation, residue mobility, and thermodynamic stability) has been performed at Invitae for this missense variant, however the output from this modeling did not meet the statistical confidence thresholds required to predict the impact of this variant on GNE protein function. This variant is also known as p.Gly312Arg. This missense change has been observed in individual(s) with autosomal recessive Nonaka myopathy (PMID: 22194990). This variant is not present in population databases (gnomAD no frequency).

Literature cited by the submitters: PubMed 22194990.